The following is an entry in ClinVar:

ClinVar aggregate classification (germline): Conflicting classifications of pathogenicity. Review status: criteria provided, conflicting classifications (1 of 4 stars). 5 submissions from 5 submitters: Uncertain significance (1); Likely benign (4). Last evaluated 2025-04-01.

Conditions:
Inborn genetic diseases. Identifiers: MedGen C0950123, MeSH D030342.

Allele frequency attached by ClinVar (database versions not stated): gnomAD exomes 0.00001 and 0.00002; gnomAD 0.00002 and 0.00004; TOPMed 0.00003; ExAC 0.00006; 1000 Genomes Project 0.00026; 1000 Genomes Project 30x 0.00042.
gnomAD v4.1: 32 of 1,161,442 alleles (0.0028%); highest among the groups gnomAD compares: Middle Eastern, 0.07%; no homozygotes.

Submissions (5):

CeGaT Center for Human Genetics Tuebingen
Classification: Likely benign. Last evaluated: 2025-04-01. Review status: criteria provided, single submitter. Criteria: CeGaT Center For Human Genetics Tuebingen Variant Classification Criteria Version 2. Collection method: clinical testing. Allele origin: germline. Affected: yes. Observed: 3 variant alleles.
Comment: HUWE1: BP4, BP7, BS2

Labcorp Genetics (formerly Invitae), Labcorp
Classification: Likely benign. Last evaluated: 2024-01-22. Review status: criteria provided, single submitter. Criteria: Invitae Variant Classification Sherloc (09022015). Collection method: clinical testing. Allele origin: germline.

Blueprint Genetics
Classification: Likely benign. Last evaluated: 2022-06-28. Review status: criteria provided, single submitter. Criteria: ACMG Guidelines, 2015. Collection method: clinical testing. Allele origin: germline.

Ambry Genetics
Classification: Likely benign for Inborn genetic diseases. Last evaluated: 2017-05-03. Review status: criteria provided, single submitter. Criteria: Ambry Variant Classification Scheme 2023. Collection method: clinical testing. Allele origin: germline.

Genetic Services Laboratory, University of Chicago
Classification: Uncertain significance. Last evaluated: 2015-01-30. Review status: criteria provided, single submitter. Criteria: ACMG Guidelines, 2015. Collection method: clinical testing. Allele origin: germline.

NM_031407.7(HUWE1):c.1188C>T (p.Tyr396=)

Gene: HUWE1 (HECT, UBA and WWE domain containing E3 ubiquitin protein ligase 1; minus strand). Cytogenetic location: Xp11.22.
Variant type: single nucleotide variant.
Coding change: c.1188C>T on transcript NM_031407.7 (MANE Select); coding-DNA position 1188, C replaced by T.
Protein change: p.Tyr396=; no amino-acid change (tyrosine 396 retained).
Molecular consequence: synonymous variant.
Genome position (GRCh38, 1-based): chrX:53,628,547, G>A on the plus strand (C>T on the coding strand, the complement: HUWE1 is on the minus strand). VCF-style: chrX-53628547-G-A. GRCh37 (hg19) VCF-style: chrX-53655498-G-A.
Identifiers: ClinVar variation 211160 (VCV000211160.39), dbSNP rs782115290, ClinGen allele CA209038.